The following is an entry in ClinVar:

NM_001384910.1(GUCA1A):c.316T>C (p.Cys106Arg)

Genes: GUCA1A (guanylate cyclase activator 1A; plus strand), GUCA1ANB-GUCA1A (GUCA1ANB-GUCA1A readthrough; plus strand). Cytogenetic location: 6p21.1.
Variant type: single nucleotide variant.
Coding change: c.316T>C on transcript NM_001384910.1 (MANE Select); coding-DNA position 316, T replaced by C.
Protein change: p.Cys106Arg; replaces cysteine 106 with arginine.
Molecular consequence: missense variant.
Genome position (GRCh38, 1-based): chr6:42,178,394, T>C. VCF-style: chr6-42178394-T-C. GRCh37 (hg19) VCF-style: chr6-42146132-T-C.
Other names: c.316T>C, p.Cys106Arg (NM_000409.5, NM_001319061.2, NM_001319062.2); short protein forms C106R.
Identifiers: ClinVar variation 4719596 (VCV004719596.1).

ClinVar aggregate classification (germline): Uncertain significance (1 of 4 stars; one submission).

gnomAD v4.1: 1 of 1,614,122 alleles (0.000062%); highest among the groups gnomAD compares: Non-Finnish European, 0.000085%; no homozygotes.

Submission:

Labcorp Genetics (formerly Invitae), Labcorp
Classification: Uncertain significance. Last evaluated: 2025-09-24. Review status: criteria provided, single submitter. Criteria: Invitae Variant Classification Sherloc (09022015). Collection method: clinical testing. Allele origin: germline.
Comment: This sequence change replaces cysteine, which is neutral and slightly polar, with arginine, which is basic and polar, at codon 106 of the GUCA1A protein (p.Cys106Arg). This variant is not present in population databases (gnomAD no frequency). This variant has not been reported in the literature in individuals affected with GUCA1A-related conditions. An algorithm developed to predict the effect of missense changes on protein structure and function (PolyPhen-2) suggests that this variant is likely to be disruptive. In summary, the available evidence is currently insufficient to determine the role of this variant in disease. Therefore, it has been classified as a Variant of Uncertain Significance.